The following is an entry in ClinVar:

ClinVar aggregate classification (germline): Uncertain significance (1 of 4 stars; one submission).

Conditions:
Autosomal dominant nocturnal frontal lobe epilepsy 5. Also called: KCNT1-Related Epilepsy; CILIARY DYSKINESIA, PRIMARY, 28, WITH SITUS INVERSUS; CILIARY DYSKINESIA, PRIMARY, 28, WITHOUT SITUS INVERSUS; Epilepsy, nocturnal frontal lobe, 5. Identifiers: Orphanet 98784, MedGen C3554306, MONDO:0014002, OMIM 615005.
Developmental and epileptic encephalopathy, 14 (DEE14). Also called: Early infantile epileptic encephalopathy 14. Identifiers: Orphanet 293181, MedGen C3554195, MONDO:0013989, OMIM 614959.

Allele frequency attached by ClinVar (database versions not stated): ExAC 0.00001.

Submission:

Labcorp Genetics (formerly Invitae), Labcorp
Classification: Uncertain significance for Autosomal dominant nocturnal frontal lobe epilepsy 5; Developmental and epileptic encephalopathy, 14. Last evaluated: 2025-08-22. Review status: criteria provided, single submitter. Criteria: Invitae Variant Classification Sherloc (09022015). Collection method: clinical testing. Allele origin: germline.
Comment: This sequence change creates a premature translational stop signal (p.Arg444*) in the KCNT1 gene. It is expected to result in an absent or disrupted protein product. However, the current clinical and genetic evidence is not sufficient to establish whether loss-of-function variants in KCNT1 cause disease. The frequency data for this variant in the population databases is considered unreliable, as metrics indicate poor data quality at this position in the gnomAD database. This variant has not been reported in the literature in individuals affected with KCNT1-related conditions. ClinVar contains an entry for this variant (Variation ID: 2930740). In summary, the available evidence is currently insufficient to determine the role of this variant in disease. Therefore, it has been classified as a Variant of Uncertain Significance.

NM_020822.3(KCNT1):c.1330C>T (p.Arg444Ter)

Gene: KCNT1 (potassium sodium-activated channel subfamily T member 1; plus strand). Cytogenetic location: 9q34.3.
Variant type: single nucleotide variant.
Coding change: c.1330C>T on transcript NM_020822.3 (MANE Select); coding-DNA position 1330, C replaced by T.
Protein change: p.Arg444Ter; replaces arginine 444 with a stop codon.
Molecular consequence: nonsense.
Genome position (GRCh38, 1-based): chr9:135,765,753, C>T. VCF-style: chr9-135765753-C-T. GRCh37 (hg19) VCF-style: chr9-138657599-C-T.
Other names: c.1195C>T, p.Arg399Ter (NM_001272003.2); short protein forms R444*, R399*.
Identifiers: ClinVar variation 2930740 (VCV002930740.3), dbSNP rs764562570, ClinGen allele CA5326847.